The following is an entry in ClinVar:

NM_002778.4(PSAP):c.450C>A (p.His150Gln)

Gene: PSAP (prosaposin; minus strand). Cytogenetic location: 10q22.1.
Variant type: single nucleotide variant.
Coding change: c.450C>A on transcript NM_002778.4 (MANE Select); coding-DNA position 450, C replaced by A.
Protein change: p.His150Gln; replaces histidine 150 with glutamine.
Molecular consequence: missense variant.
Genome position (GRCh38, 1-based): chr10:71,829,003, G>T on the plus strand (C>A on the coding strand, the complement: PSAP is on the minus strand). VCF-style: chr10-71829003-G-T. GRCh37 (hg19) VCF-style: chr10-73588760-G-T.
Other names: p.His150Gln; c.450C>A, p.His150Gln (NM_001042465.3, NM_001042466.3); short protein forms H150Q.
Identifiers: ClinVar variation 567949 (VCV000567949.6), dbSNP rs757752213, ClinGen allele CA377152497.

ClinVar aggregate classification (germline): Uncertain significance. Review status: criteria provided, multiple submitters, no conflicts (2 of 4 stars). 3 submissions from 3 submitters: Uncertain significance (2). 1 of the submissions does not count toward it. Last evaluated 2025-10-09.

Conditions:
Metachromatic leukodystrophy (MLD). Also called: ARSA DEFICIENCY; SULFATIDE LIPIDOSIS; Cerebral sclerosis diffuse metachromatic form; Arylsulfatase A Deficiency; CEREBROSIDE SULFATASE DEFICIENCY; METACHROMATIC LEUKOENCEPHALOPATHY. Identifiers: Orphanet 512, MedGen C0023522, MONDO:0018868, OMIM 250100.
Sphingolipid activator protein 1 deficiency. Also called: Saposin B Deficiency; Metachromatic leukodystrophy due to saposin B deficiency; METACHROMATIC LEUKODYSTROPHY DUE TO CEREBROSIDE SULFATASE ACTIVATOR DEFICIENCY. Identifiers: Orphanet 512, MedGen C0268262, MONDO:0009590, OMIM 249900.

Allele frequency attached by ClinVar (database versions not stated): TOPMed below 0.00001.
gnomAD v4.1: 21 of 1,614,124 alleles (0.0013%); highest among the groups gnomAD compares: Non-Finnish European, 0.0018%; no homozygotes.

Submissions (3):

Mayo Clinic Laboratories, Mayo Clinic
Classification: Uncertain significance. Last evaluated: 2025-10-09. Review status: criteria provided, single submitter. Criteria: ACMG Guidelines, 2015. Collection method: clinical testing. Allele origin: germline. Observed: 1 variant allele.
Comment: BP4_moderate, PM2_supporting

Labcorp Genetics (formerly Invitae), Labcorp
Classification: Uncertain significance for Sphingolipid activator protein 1 deficiency. Last evaluated: 2021-08-27. Review status: criteria provided, single submitter. Criteria: Invitae Variant Classification Sherloc (09022015). Collection method: clinical testing. Allele origin: germline.

Natera, Inc.
Classification: Uncertain significance for Metachromatic leukodystrophy. Last evaluated: 2020-10-22. Review status: no assertion criteria provided. Collection method: clinical testing. Allele origin: germline. Not counted in ClinVar's aggregate classification.